The following is an entry in ClinVar:

ClinVar aggregate classification (germline): Likely pathogenic (1 of 4 stars; one submission).

Conditions:
Familial cancer of breast. Also called: Hereditary breast cancer; hereditary breast carcinoma; BREAST CANCER, FAMILIAL. Identifiers: Orphanet 227535, MedGen C0346153, MONDO:0016419, OMIM 114480. Disease mechanism: loss of function.

Submission:

Labcorp Genetics (formerly Invitae), Labcorp
Classification: Likely pathogenic for Familial cancer of breast. Last evaluated: 2022-03-09. Review status: criteria provided, single submitter. Criteria: Invitae Variant Classification Sherloc (09022015). Collection method: clinical testing. Allele origin: germline.
Comment: This variant is a gross deletion of the genomic region encompassing exon(s) 10-11 of the BARD1 gene, which includes the termination codon. This deletion extends beyond the assayed region for this gene and therefore may encompass additional genes. While this deletion is not anticipated to lead to nonsense mediated decay, it is expected to alter mRNA translation or result in a truncated protein product. This variant has not been reported in the literature in individuals affected with BARD1-related conditions. This variant disrupts the C-terminal BRCT domain of BARD1 protein, which is required for chromosome stability and homology-directed repair (PMID: 17848578). A different variant (p.Val767fs) that lies downstream of this variant has been reported to affect BARD1 protein function (PMID: 30925164), this suggests that disruption of this region of the protein is causative of disease. In summary, the currently available evidence indicates that the variant is pathogenic, but additional data are needed to prove that conclusively. Therefore, this variant has been classified as Likely Pathogenic.

Literature cited by the submitters: PubMed 17848578; PubMed 30925164.

NC_000002.11:g.(?_215593400)_(215595242_?)del

Gene: BARD1 (BRCA1 associated RING domain 1; minus strand). Cytogenetic location: 2q35.
Variant type: Deletion.
Identifiers: ClinVar variation 2423133 (VCV002423133.3).